The following is an entry in ClinVar:

NM_000558.5(HBA1):c.148_149del (p.Ser50fs)

Genes: HBA1 (hemoglobin subunit alpha 1; plus strand), LOC106804613 (hemoglobin subunit alpha 1 recombination region; plus strand). Cytogenetic location: 16p13.3.
Variant type: Deletion.
Coding change: c.148_149del on transcript NM_000558.5 (MANE Select); coding-DNA positions 148 to 149, 2 bases deleted (AG; older notation c.148_149delAG).
Protein change: p.Ser50fs; shifts the reading frame from serine 50.
Molecular consequence: frameshift variant.
Genome position (GRCh38, 1-based): chr16:176,981-176,982, AG deleted; deleting any 2 consecutive bases within chr16:176,980-176,982 gives the same sequence; the c. name uses the placement nearest the transcript's 3' end. VCF-style (leftmost placement, unchanged base first): chr16-176979-TGA-T. GRCh37 (hg19) VCF-style: chr16-226978-TGA-T.
Other names: short protein forms S50fs.
Identifiers: ClinVar variation 4814376 (VCV004814376.1).

ClinVar aggregate classification (germline): Likely pathogenic (1 of 4 stars; one submission).

Conditions:
alpha Thalassemia. Also called: Alpha thalassemia spectrum. Identifiers: Orphanet 846, MedGen C0002312, MONDO:0011399, OMIM 604131.

Submission:

Natera, Inc.
Classification: Likely pathogenic for Alpha thalassemia. Last evaluated: 2025-09-06. Review status: criteria provided, single submitter. Criteria: Natera Variant Classification Schema (03/2026). Collection method: clinical testing. Allele origin: germline.
Comment: The c.148_149del variant in HBA1 is a frameshift variant predicted to shift the reading frame beginning at codon 50 and leads to a stop codon 7 codons downstream. This variant is expected to result in nonsense mediated decay, truncation, or a dysfunctional protein product. This variant is rare in the general population with a frequency below the threshold expected for the associated phenotype(s). Given the available evidence, this variant is classified as Likely Pathogenic.